The following is an entry in ClinVar:

ClinVar aggregate classification (germline): other (0 of 4 stars; one submission).

Conditions:
Familial colorectal cancer. Identifiers: MedGen CN280943, MONDO:0023113. Disease mechanism: loss of function.

Allele frequency attached by ClinVar (database versions not stated): gnomAD 0.67450 and 0.68094; TOPMed 0.69674.
gnomAD v4.1: 103,454 of 152,000 alleles (68%); highest among the groups gnomAD compares: East Asian, 90%; 35,585 homozygotes.

Submission:

Systems Biology Platform Zhejiang California International NanoSystems Institute
Classification: other for Familial colorectal cancer. Review status: no assertion criteria provided. Collection method: not provided. Allele origin: unknown.
ClinVar note: Converted during submission from cancer to other.

NM_000038.6(APC):c.646-3774T>C

Gene: APC (APC regulator of WNT signaling pathway; plus strand). Cytogenetic location: 5q22.2.
Variant type: single nucleotide variant.
Coding change: c.646-3774T>C on transcript NM_000038.6 (MANE Select); 3774 bases into the intron before coding-DNA position 646, T replaced by C.
Molecular consequence: intron variant.
Genome position (GRCh38, 1-based): chr5:112,788,672, T>C. VCF-style: chr5-112788672-T-C. GRCh37 (hg19) VCF-style: chr5-112124369-T-C.
Other names: c.646-3774T>C (NM_001354895.2, NM_001127510.3, NM_001354896.2 and 1 more transcripts); c.676-3774T>C (NM_001354897.2, NM_001354902.2); c.675+7769T>C (NM_001127511.3); c.571-3774T>C (NM_001354898.2, NM_001354904.2); c.-390-3774T>C (NM_001354906.2); c.645+7769T>C (NM_001354899.2); c.469-3774T>C (NM_001354900.2, NM_001354901.2, NM_001354905.2).
Identifiers: ClinVar variation 82980 (VCV000082980.2), dbSNP rs2431238, ClinGen allele CA011870.